The following is an entry in ClinVar:

NM_001036.6(RYR3):c.2785A>G (p.Thr929Ala)

Gene: RYR3 (ryanodine receptor 3; plus strand). Cytogenetic location: 15q14.
Variant type: single nucleotide variant.
Coding change: c.2785A>G on transcript NM_001036.6 (MANE Select); coding-DNA position 2785, A replaced by G.
Protein change: p.Thr929Ala; replaces threonine 929 with alanine.
Molecular consequence: missense variant.
Genome position (GRCh38, 1-based): chr15:33,631,211, A>G. VCF-style: chr15-33631211-A-G. GRCh37 (hg19) VCF-style: chr15-33923412-A-G.
Other names: c.2785A>G, p.Thr929Ala (NM_001243996.4); short protein forms T929A.
Identifiers: ClinVar variation 576977 (VCV000576977.8), dbSNP rs532872913, ClinGen allele CA268573881.

ClinVar aggregate classification (germline): Uncertain significance (1 of 4 stars; one submission).

Conditions:
Epileptic encephalopathy. Identifiers: MedGen C0543888, HP:0200134.

Allele frequency attached by ClinVar (database versions not stated): gnomAD 0.00001; gnomAD exomes 0.00001; TOPMed 0.00001.
gnomAD v4.1: 19 of 1,576,080 alleles (0.0012%); highest among the groups gnomAD compares: Non-Finnish European, 0.0016%; no homozygotes.

Submission:

Labcorp Genetics (formerly Invitae), Labcorp
Classification: Uncertain significance for Epileptic encephalopathy. Last evaluated: 2018-05-19. Review status: criteria provided, single submitter. Criteria: Invitae Variant Classification Sherloc (09022015). Collection method: clinical testing. Allele origin: germline.
Comment: Algorithms developed to predict the effect of missense changes on protein structure and function (SIFT, PolyPhen-2, Align-GVGD) all suggest that this variant is likely to be disruptive, but these predictions have not been confirmed by published functional studies and their clinical significance is uncertain. This sequence change replaces threonine with alanine at codon 929 of the RYR3 protein (p.Thr929Ala). The threonine residue is highly conserved and there is a small physicochemical difference between threonine and alanine. This variant is not present in population databases (ExAC no frequency). This variant has not been reported in the literature in individuals with RYR3-related disease. In summary, the available evidence is currently insufficient to determine the role of this variant in disease. Therefore, it has been classified as a Variant of Uncertain Significance.